The following is an entry in ClinVar:

NM_001195263.2(PDZD7):c.1811C>T (p.Pro604Leu)

Gene: PDZD7 (PDZ domain containing 7; minus strand). Cytogenetic location: 10q24.31.
Variant type: single nucleotide variant.
Coding change: c.1811C>T on transcript NM_001195263.2 (MANE Select); coding-DNA position 1811, C replaced by T.
Protein change: p.Pro604Leu; replaces proline 604 with leucine.
Molecular consequence: missense variant.
Genome position (GRCh38, 1-based): chr10:101,012,197, G>A on the plus strand (C>T on the coding strand, the complement: PDZD7 is on the minus strand). VCF-style: chr10-101012197-G-A. GRCh37 (hg19) VCF-style: chr10-102771954-G-A.
Other names: c.1811C>T (NM_001195263.1); short protein forms P604L.
Identifiers: ClinVar variation 1443541 (VCV001443541.6), dbSNP rs537508786, ClinGen allele CA212979909.
Genomic context (GRCh38, chr10:101,012,197, plus strand): 5'-CCCCAAGCCCTCTCTGCAACCTCCTCCCACCTGATGTCCTGCAGCAGTAGCAGCTTCTCC[G>A]GCCTGTCGAGGATGGCCAGCAGGGGCCTCACCAGGTCCTCTATGCCTCCCTCGTGCACAT-3'
Protein context (NP_001182192.1, residues 594-614): VRPLLAILDR[Pro604Leu]EKLLLLQDIR

ClinVar aggregate classification (germline): Conflicting classifications of pathogenicity. Review status: criteria provided, conflicting classifications (1 of 4 stars). 2 submissions from 2 submitters: Likely pathogenic (1); Uncertain significance (1). Last evaluated 2026-04-02.

gnomAD v4.1: 18 of 1,550,314 alleles (0.0012%); highest among the groups gnomAD compares: African/African-American, 0.0041%; no homozygotes.

Submissions (2):

GeneDx
Classification: Likely pathogenic. Last evaluated: 2026-04-02. Review status: criteria provided, single submitter. Criteria: GeneDx Variant Classification Process June 2021. Collection method: clinical testing. Allele origin: germline.
Comment: Not observed at significant frequency in large population cohorts (gnomAD); In silico analysis supports that this missense variant has a deleterious effect on protein structure/function; Has not been previously published as pathogenic or benign to our knowledge

Labcorp Genetics (formerly Invitae), Labcorp
Classification: Uncertain significance. Last evaluated: 2022-11-29. Review status: criteria provided, single submitter. Criteria: Invitae Variant Classification Sherloc (09022015). Collection method: clinical testing. Allele origin: germline.
Comment: Advanced modeling of protein sequence and biophysical properties (such as structural, functional, and spatial information, amino acid conservation, physicochemical variation, residue mobility, and thermodynamic stability) has been performed at Invitae for this missense variant, however the output from this modeling did not meet the statistical confidence thresholds required to predict the impact of this variant on PDZD7 protein function. ClinVar contains an entry for this variant (Variation ID: 1443541). This variant has not been reported in the literature in individuals affected with PDZD7-related conditions. This variant is present in population databases (no rsID available, gnomAD 0.01%). This sequence change replaces proline, which is neutral and non-polar, with leucine, which is neutral and non-polar, at codon 604 of the PDZD7 protein (p.Pro604Leu). In summary, the available evidence is currently insufficient to determine the role of this variant in disease. Therefore, it has been classified as a Variant of Uncertain Significance.